The following is an entry in ClinVar:

NM_000821.7(GGCX):c.967T>C (p.Cys323Arg)

Gene: GGCX (gamma-glutamyl carboxylase; minus strand). Cytogenetic location: 2p11.2.
Variant type: single nucleotide variant.
Coding change: c.967T>C on transcript NM_000821.7 (MANE Select); coding-DNA position 967, T replaced by C.
Protein change: p.Cys323Arg; replaces cysteine 323 with arginine.
Molecular consequence: missense variant.
Genome position (GRCh38, 1-based): chr2:85,553,420, A>G on the plus strand (T>C on the coding strand, the complement: GGCX is on the minus strand). VCF-style: chr2-85553420-A-G. GRCh37 (hg19) VCF-style: chr2-85780543-A-G.
Other names: c.967T>C (NM_000821.5); c.796T>C, p.Cys266Arg (NM_001142269.4); short protein forms C266R, C323R.
Identifiers: ClinVar variation 1896898 (VCV001896898.3), dbSNP rs367565060, ClinGen allele CA1741957.
Genomic context (GRCh38, chr2:85,553,420, plus strand): 5'-AGGAAACACTGGGCTGAGGGGCTGCCTTGAGGGGCAACAGTTGTTGCAACCTTCGGGGGC[A>G]GTAGGACACCAGCTTCCGAGGCCACTCAGGGGAGCAGAAGAGAGGGCTGCTGGCCAGCAT-3'
Protein context (NP_000812.2, residues 313-333): PEWPRKLVSY[Cys323Arg]PRRLQQLLPL

ClinVar aggregate classification (germline): Uncertain significance. Review status: criteria provided, multiple submitters, no conflicts (2 of 4 stars). 2 submissions from 2 submitters: Uncertain significance (2). Last evaluated 2025-06-06.

Conditions:
Inborn genetic diseases. Identifiers: MedGen C0950123, MeSH D030342.

Allele frequency attached by ClinVar (database versions not stated): ExAC 0.00001; gnomAD 0.00001; TOPMed 0.00001; gnomAD exomes 0.00003; ESP Exome Variant Server 0.00008.

Submissions (2):

Ambry Genetics
Classification: Uncertain significance for Inborn genetic diseases. Last evaluated: 2025-06-06. Review status: criteria provided, single submitter. Criteria: Ambry Variant Classification Scheme 2023. Collection method: clinical testing. Allele origin: germline.

Labcorp Genetics (formerly Invitae), Labcorp
Classification: Uncertain significance. Last evaluated: 2022-07-11. Review status: criteria provided, single submitter. Criteria: Invitae Variant Classification Sherloc (09022015). Collection method: clinical testing. Allele origin: germline.
Comment: This sequence change replaces cysteine, which is neutral and slightly polar, with arginine, which is basic and polar, at codon 323 of the GGCX protein (p.Cys323Arg). This variant is present in population databases (rs367565060, gnomAD 0.002%). This variant has not been reported in the literature in individuals affected with GGCX-related conditions. Algorithms developed to predict the effect of missense changes on protein structure and function (SIFT, PolyPhen-2, Align-GVGD) all suggest that this variant is likely to be tolerated. In summary, the available evidence is currently insufficient to determine the role of this variant in disease. Therefore, it has been classified as a Variant of Uncertain Significance.